The following is an entry in ClinVar:

ClinVar aggregate classification (germline): Pathogenic/Likely pathogenic. Review status: criteria provided, multiple submitters, no conflicts (2 of 4 stars). 8 submissions from 8 submitters: Pathogenic (7); Likely pathogenic (1). Last evaluated 2026-03-08.

Conditions:
Glutaric acidemia type 2C.
Inborn genetic diseases. Identifiers: MedGen C0950123, MeSH D030342.
Glutaric acidemia IIc. Also called: ETFDH deficiency. Identifiers: MedGen C3278156, MONDO:0700076.
Multiple acyl-CoA dehydrogenase deficiency (MADD). Also called: Glutaric Acidemia type 2; ETHYLMALONIC-ADIPICACIDURIA; GA II; Glutaric aciduria, type 2; Glutaric acidemia type II; GA 2. Identifiers: Orphanet 26791, MedGen C0268596, MONDO:0009282, OMIM 231680.

Allele frequency attached by ClinVar (database versions not stated): gnomAD exomes 0.00001 and 0.00004; ExAC 0.00002.
gnomAD v4.1: 21 of 1,613,344 alleles (0.0013%); highest among the groups gnomAD compares: South Asian, 0.022%; no homozygotes.

Submissions (8):

GeneDx
Classification: Pathogenic. Last evaluated: 2026-03-08. Review status: criteria provided, single submitter. Criteria: GeneDx Variant Classification Process June 2021. Collection method: clinical testing. Allele origin: germline.
Comment: Published functional studies demonstrate p.(G472R) significantly reduced protein expression and activity (PMID: 22611163); In silico analysis supports that this missense variant has a deleterious effect on protein structure/function; This variant is associated with the following publications: (PMID: 34426522, 33823724, 31268564, 22611163, 36336875, 34573316, 12815589, 39411402)

Ambry Genetics
Classification: Pathogenic for Inborn genetic diseases. Last evaluated: 2025-09-16. Review status: criteria provided, single submitter. Criteria: Ambry Variant Classification Scheme 2023. Collection method: clinical testing. Allele origin: germline.
Comment: The c.1414G>A (p.G472R) alteration is located in exon 11 (coding exon 11) of the ETFDH gene. This alteration results from a G to A substitution at nucleotide position 1414, causing the glycine (G) at amino acid position 472 to be replaced by an arginine (R). Based on data from gnomAD, the A allele has an overall frequency of 0.004% (9/251366) total alleles studied. The highest observed frequency was 0.029% (9/30616) of South Asian alleles. This variant has been identified in the homozygous state and/or in conjunction with other ETFDH variant(s) in individual(s) with features consistent with glutaric acidemia II (van Rijt, 2019; Ali, 2021; Olsen, 2003; external communication). This amino acid position is highly conserved in available vertebrate species. Functional studies suggest that this variant causes loss of function; however, additional evidence is needed to confirm this finding (Cornelius, 2012). This alteration is predicted to be deleterious by in silico analysis. Based on the available evidence, this alteration is classified as pathogenic.

Natera, Inc.
Classification: Likely pathogenic for Glutaric acidemia type 2C. Last evaluated: 2025-03-24. Review status: criteria provided, single submitter. Criteria: Natera Variant Classification Schema (03/2026). Collection method: clinical testing. Allele origin: germline.
Comment: The c.1414G>A variant in ETFDH is a missense variant predicted to cause substitution of glycine to arginine at amino acid 472. This variant is rare in the general population with a frequency below the threshold expected for the associated phenotype(s). This variant has been observed in one or more individuals affected with the associated recessive disease, as either homozygous or compound heterozygous with a second variant (PMID: 12815589, 34573316). Functional studies show that this variant may disrupt protein function (PMID: 22611163). Computational prediction algorithms indicate this variant is likely to affect gene or protein function. Given the available evidence, this variant is classified as Likely Pathogenic.

Dubai Health Genomic Medicine Center, Dubai Health
Classification: Pathogenic for Glutaric acidemia IIC. Last evaluated: 2024-10-04. Review status: criteria provided, single submitter. Criteria: ACMG Guidelines, 2015. Collection method: research. Allele origin: germline. Affected: yes.
Comment: PS3,PM3,PP3,PM2,PM5

Department of Genetics, Sultan Qaboos University Hospital
Classification: Pathogenic for Multiple acyl-CoA dehydrogenase deficiency. Last evaluated: 2024-06-12. Review status: criteria provided, single submitter. Criteria: ACMG Guidelines, 2015. Collection method: curation. Allele origin: unknown. Affected: yes.

Labcorp Genetics (formerly Invitae), Labcorp
Classification: Pathogenic for Multiple acyl-CoA dehydrogenase deficiency. Last evaluated: 2023-10-25. Review status: criteria provided, single submitter. Criteria: Invitae Variant Classification Sherloc (09022015). Collection method: clinical testing. Allele origin: germline.
Comment: This sequence change replaces glycine, which is neutral and non-polar, with arginine, which is basic and polar, at codon 472 of the ETFDH protein (p.Gly472Arg). This variant is present in population databases (rs746598421, gnomAD 0.03%). This missense change has been observed in individual(s) with multiple Acyl-CoA dehydrogenase deficiency (PMID: 12815589, 31268564; Invitae). ClinVar contains an entry for this variant (Variation ID: 459963). Advanced modeling of protein sequence and biophysical properties (such as structural, functional, and spatial information, amino acid conservation, physicochemical variation, residue mobility, and thermodynamic stability) performed at Invitae indicates that this missense variant is expected to disrupt ETFDH protein function with a positive predictive value of 80%. Experimental studies have shown that this missense change affects ETFDH function (PMID: 12815589, 31268564). Algorithms developed to predict the effect of sequence changes on RNA splicing suggest that this variant may disrupt the consensus splice site. For these reasons, this variant has been classified as Pathogenic.

Baylor Genetics
Classification: Pathogenic for Multiple acyl-CoA dehydrogenase deficiency. Last evaluated: 2023-06-23. Review status: criteria provided, single submitter. Criteria: ACMG Guidelines, 2015. Collection method: clinical testing. Allele origin: unknown.

Women's Health and Genetics/Laboratory Corporation of America, LabCorp
Classification: Pathogenic for Multiple acyl-CoA dehydrogenase deficiency. Last evaluated: 2022-05-26. Review status: criteria provided, single submitter. Criteria: LabCorp Variant Classification Summary - May 2015. Collection method: clinical testing. Allele origin: germline.
Comment: Variant summary: ETFDH c.1414G>A (p.Gly472Arg) results in a non-conservative amino acid change in the encoded protein sequence. Five of five in-silico tools predict a damaging effect of the variant on protein function. The variant allele was found at a frequency of 3.6e-05 in 251366 control chromosomes. c.1414G>A has been reported in the literature as a homozygous genotype in several individuals affected with Multiple acyl-CoA dehydrogenase deficiency (MADD) or glutaric aciduria type II (example, Olsen_2003, Ali_2021, van Rijt_2019). These data indicate that the variant is very likely to be associated with disease. At least one publication reports experimental evidence evaluating an impact on protein function. The most pronounced variant effect results in <10% of normal activity in homozygous individuals as measured by beta oxidation activity in whole fibroblast cells (Olsen_2003). Three clinical diagnostic laboratories have submitted clinical-significance assessments for this variant to ClinVar after 2014 without evidence for independent evaluation (Pathogenic, n=2). Based on the evidence outlined above, the variant was classified as pathogenic.

Literature cited by the submitters: PubMed 12815589 (cited by 4 submitters); PubMed 22611163 (cited by Ambry Genetics and Natera, Inc.); PubMed 31268564 (cited by 3 submitters); PubMed 34573316 (cited by 3 submitters).

NM_004453.4(ETFDH):c.1414G>A (p.Gly472Arg)

Gene: ETFDH (electron transfer flavoprotein dehydrogenase; plus strand). Cytogenetic location: 4q32.1.
Variant type: single nucleotide variant.
Coding change: c.1414G>A on transcript NM_004453.4 (MANE Select); coding-DNA position 1414, G replaced by A.
Protein change: p.Gly472Arg; replaces glycine 472 with arginine.
Molecular consequence: missense variant.
Genome position (GRCh38, 1-based): chr4:158,706,317, G>A. VCF-style: chr4-158706317-G-A. GRCh37 (hg19) VCF-style: chr4-159627469-G-A.
Other names: c.1273G>A, p.Gly425Arg (NM_001281737.2); c.1231G>A, p.Gly411Arg (NM_001281738.1); c.1414G>A (NM_004453.2); short protein forms G472R, G411R, G425R.
Identifiers: ClinVar variation 459963 (VCV000459963.22), dbSNP rs746598421, ClinGen allele CA3122617.